The following is an entry in ClinVar:

ClinVar aggregate classification (germline): Uncertain significance. Review status: criteria provided, multiple submitters, no conflicts (2 of 4 stars). 2 submissions from 2 submitters: Uncertain significance (2). Last evaluated 2025-10-18.

Conditions:
Familial cancer of breast. Also called: BREAST CANCER, FAMILIAL; Hereditary breast cancer; hereditary breast carcinoma. Identifiers: Orphanet 227535, MedGen C0346153, MONDO:0016419, OMIM 114480. Disease mechanism: loss of function.
Hereditary cancer-predisposing syndrome. Also called: Hereditary Cancer Syndrome; Neoplastic Syndromes, Hereditary; Tumor predisposition; Hereditary neoplastic syndrome. Identifiers: Orphanet 140162, MedGen C0027672, MeSH D009386, MONDO:0015356.

Submissions (2):

Labcorp Genetics (formerly Invitae), Labcorp
Classification: Uncertain significance for Familial cancer of breast. Last evaluated: 2025-10-18. Review status: criteria provided, single submitter. Criteria: Invitae Variant Classification Sherloc (09022015). Collection method: clinical testing. Allele origin: germline.
Comment: This variant, c.1436_1438del, results in the deletion of 1 amino acid(s) of the CHEK2 protein (p.Glu479del), but otherwise preserves the integrity of the reading frame. This variant is not present in population databases (gnomAD no frequency). This variant has not been reported in the literature in individuals affected with CHEK2-related conditions. ClinVar contains an entry for this variant (Variation ID: 481048). Experimental studies and prediction algorithms are not available or were not evaluated, and the functional significance of this variant is currently unknown. In summary, the available evidence is currently insufficient to determine the role of this variant in disease. Therefore, it has been classified as a Variant of Uncertain Significance.

Ambry Genetics
Classification: Uncertain significance for Hereditary cancer-predisposing syndrome. Last evaluated: 2019-11-19. Review status: criteria provided, single submitter. Criteria: Ambry Variant Classification Scheme 2023. Collection method: clinical testing. Allele origin: germline.
Comment: The c.1436_1438delAAG variant (also known as p.E479del) is located in coding exon 12 of the CHEK2 gene. This variant results from an in-frame AAG deletion at nucleotide positions 1436 to 1438. This results in the in-frame deletion of a glutamic acid at codon 479. This amino acid position is well conserved in available vertebrate species. In addition, this alteration is predicted to be deleterious by in silico analysis (Choi Y et al. PLoS ONE. 2012; 7(10):e46688). Since supporting evidence is limited at this time, the clinical significance of this alteration remains unclear.

NM_007194.4(CHEK2):c.1433AAG[1] (p.Glu479del)

Gene: CHEK2 (checkpoint kinase 2; minus strand). Cytogenetic location: 22q12.1.
Variant type: Microsatellite.
Coding change: c.1433AAG[1] on transcript NM_007194.4 (MANE Select); one copy of the 3-base unit AAG starting at c.1433; the reference has two copies in a row; one copy, 3 bases deleted; also written c.1436_1438del.
Protein change: p.Glu479del; deletes glutamic acid 479.
Molecular consequence: inframe deletion. On other transcripts: inframe indel (4).
Genome position (GRCh38, 1-based): chr22:28,694,055-28,694,057, CTT deleted on the plus strand (AAG on the coding strand, the reverse complement: CHEK2 is on the minus strand); deleting any 3 consecutive bases within chr22:28,694,055-28,694,062 gives the same sequence; the position shown is the placement nearest the transcript's 3' end. VCF-style (leftmost placement, unchanged base first): chr22-28694054-GCTT-G. GRCh37 (hg19) VCF-style: chr22-29090042-GCTT-G.
Other names: c.1436_1438del (NM_007194.3); c.1560_1562AGA[1], p.Glu522del (NM_001005735.3); c.768_770AGA[1], p.Glu258del (NM_001257387.3); c.1230_1232AGA[1], p.Glu412del (NM_001349956.3); c.1344_1346AGA[1], p.Glu450del (NM_145862.3); short protein forms E479del, E522del, E450del, E258del, E412del.
Identifiers: ClinVar variation 481048 (VCV000481048.16), dbSNP rs1555913104, ClinGen allele CA658656818.